The following is an entry in ClinVar:

ClinVar aggregate classification (germline): Uncertain significance (1 of 4 stars; one submission).

Submission:

Ambry Genetics
Classification: Uncertain significance. Last evaluated: 2024-04-29. Review status: criteria provided, single submitter. Criteria: Ambry Variant Classification Scheme 2023. Collection method: clinical testing. Allele origin: germline.
Comment: The p.H718R variant (also known as c.2153A>G), located in coding exon 14 of the RINT1 gene, results from an A to G substitution at nucleotide position 2153. The histidine at codon 718 is replaced by arginine, an amino acid with highly similar properties. This amino acid position is conserved. In addition, this alteration is predicted to be tolerated by in silico analysis. Based on the available evidence, the clinical significance of this variant remains unclear.

NM_021930.6(RINT1):c.2153A>G (p.His718Arg)

Genes: EFCAB10 (EF-hand calcium binding domain 10; minus strand), RINT1 (RAD50 interactor 1; plus strand). Cytogenetic location: 7q22.3.
Variant type: single nucleotide variant.
Coding change: c.2153A>G on transcript NM_021930.6 (MANE Select); coding-DNA position 2153, A replaced by G.
Protein change: p.His718Arg; replaces histidine 718 with arginine.
Molecular consequence: missense variant. On other transcripts: synonymous variant (1), non-coding transcript variant (1), intron variant (2).
Genome position (GRCh38, 1-based): chr7:105,565,615, A>G. VCF-style: chr7-105565615-A-G. GRCh37 (hg19) VCF-style: chr7-105206062-A-G.
Other names: c.384T>C, p.Cys128= (NM_001355530.2); c.1919A>G, p.His640Arg (NM_001346599.2); c.1130A>G, p.His377Arg (NM_001346600.2, NM_001346603.2); c.1229A>G, p.His410Arg (NM_001346601.2); c.360-168T>C (NM_001355531.2); c.384-168T>C (NM_001355526.2); short protein forms H377R, H410R, H640R, H718R.
Identifiers: ClinVar variation 3314461 (VCV003314461.1).